The following is an entry in ClinVar:

NM_001164508.2(NEB):c.25555G>A (p.Ala8519Thr)

Genes: NEB (nebulin; minus strand), RIF1 (replication timing regulatory factor 1; plus strand). Cytogenetic location: 2q23.3.
Variant type: single nucleotide variant.
Coding change: c.25555G>A on transcript NM_001164508.2 (MANE Select); coding-DNA position 25555, G replaced by A.
Protein change: p.Ala8519Thr; replaces alanine 8519 with threonine.
Molecular consequence: missense variant.
Genome position (GRCh38, 1-based): chr2:151,485,783, C>T on the plus strand (G>A on the coding strand, the complement: NEB is on the minus strand). VCF-style: chr2-151485783-C-T. GRCh37 (hg19) VCF-style: chr2-152342297-C-T.
Other names: c.25555G>A, p.Ala8519Thr (NM_001164507.2); c.25660G>A, p.Ala8554Thr (NM_001271208.2); c.19987G>A, p.Ala6663Thr (NM_004543.5); c.19987G>A (NM_004543.4); short protein forms A6663T, A8519T, A8554T.
Identifiers: ClinVar variation 653358 (VCV000653358.10), dbSNP rs775823432, ClinGen allele CA1905681.
Genomic context (GRCh38, chr2:151,485,783, plus strand): 5'-TGTAAGTCCTGCAGACAAGTGTGATGCTTTGAAATGCCTAAATAGCTTCAACGTAGTTGG[C>T]TGGGAGCATTCCGGTCCTGCCAGTCCTCTGCACAGTGCCATACATCCAGCCTTCATCAAT-3'
Protein context (NP_001157980.2, residues 8509-8525): QRTGRTGMLP[Ala8519Thr]NYVEAI

ClinVar aggregate classification (germline): Uncertain significance. Review status: criteria provided, multiple submitters, no conflicts (2 of 4 stars). 4 submissions from 4 submitters: Uncertain significance (3). 1 of the submissions does not count toward it. Last evaluated 2025-03-26.

Conditions:
Inborn genetic diseases. Identifiers: MedGen C0950123, MeSH D030342.
Nemaline myopathy 2 (NEM2). Also called: Nemaline myopathy 2, autosomal recessive. Identifiers: MedGen C1850569, MONDO:0009725, OMIM 256030.

Allele frequency attached by ClinVar (database versions not stated): gnomAD 0.00002 and 0.00003; ExAC 0.00003; gnomAD exomes 0.00002 and 0.00005; TOPMed 0.00003.
gnomAD v4.1: 79 of 1,611,884 alleles (0.0049%); highest among the groups gnomAD compares: Non-Finnish European, 0.0061%; no homozygotes.

Submissions (4):

Ambry Genetics
Classification: Uncertain significance for Inborn genetic diseases. Last evaluated: 2025-03-26. Review status: criteria provided, single submitter. Criteria: Ambry Variant Classification Scheme 2023. Collection method: clinical testing. Allele origin: germline.

Labcorp Genetics (formerly Invitae), Labcorp
Classification: Uncertain significance for Nemaline myopathy 2. Last evaluated: 2022-07-25. Review status: criteria provided, single submitter. Criteria: Invitae Variant Classification Sherloc (09022015). Collection method: clinical testing. Allele origin: germline.
Comment: This sequence change replaces alanine, which is neutral and non-polar, with threonine, which is neutral and polar, at codon 8554 of the NEB protein (p.Ala8554Thr). This variant is present in population databases (rs775823432, gnomAD 0.004%). This variant has not been reported in the literature in individuals affected with NEB-related conditions. ClinVar contains an entry for this variant (Variation ID: 653358). Algorithms developed to predict the effect of missense changes on protein structure and function are either unavailable or do not agree on the potential impact of this missense change (SIFT: "Deleterious"; PolyPhen-2: "Not Available"; Align-GVGD: "Class C0"). In summary, the available evidence is currently insufficient to determine the role of this variant in disease. Therefore, it has been classified as a Variant of Uncertain Significance.

GeneDx
Classification: Uncertain significance. Last evaluated: 2019-08-08. Review status: criteria provided, single submitter. Criteria: GeneDx Variant Classification Process June 2021. Collection method: clinical testing. Allele origin: germline. Affected: yes.
Comment: Not observed at a significant frequency in large population cohorts (Lek et al., 2016); In silico analysis, which includes protein predictors and evolutionary conservation, supports a deleterious effect; Has not been previously published as pathogenic or benign to our knowledge

Natera, Inc.
Classification: Uncertain significance for Nemaline myopathy type 2. Last evaluated: 2020-02-26. Review status: no assertion criteria provided. Collection method: clinical testing. Allele origin: germline. Not counted in ClinVar's aggregate classification.